The following is an entry in ClinVar:

ClinVar aggregate classification (germline): Pathogenic. Review status: criteria provided, multiple submitters, no conflicts (2 of 4 stars). 2 submissions from 2 submitters: Pathogenic (2). Last evaluated 2024-01-23.

Conditions:
Familial cancer of breast. Also called: hereditary breast carcinoma; BREAST CANCER, FAMILIAL; Hereditary breast cancer. Identifiers: Orphanet 227535, MedGen C0346153, MONDO:0016419, OMIM 114480. Disease mechanism: loss of function.
Ataxia-telangiectasia syndrome (AT). Also called: ATAXIA-TELANGIECTASIA, COMPLEMENTATION GROUP A; ATAXIA-TELANGIECTASIA, FRESNO VARIANT; Ataxia-telangiectasia; Ataxia-telangiectasia, complementation group D; AT, COMPLEMENTATION GROUP C; Ataxia-telangiectasia, complementation group E. Identifiers: Orphanet 100, MedGen C0004135, MONDO:0008840, OMIM 208900.

Allele frequency attached by ClinVar (database versions not stated): gnomAD exomes below 0.00001.
gnomAD v4.1: 1 of 1,611,784 alleles (0.000062%); highest among the groups gnomAD compares: Non-Finnish European, 0.000085%; no homozygotes.

Submissions (2):

Myriad Genetics, Inc.
Classification: Pathogenic for Familial cancer of breast. Last evaluated: 2024-01-23. Review status: criteria provided, single submitter. Criteria: Myriad Autosomal Dominant, Autosomal Recessive and X-Linked Classification Criteria (2023). Collection method: clinical testing. Allele origin: unknown.
Comment: This variant is considered pathogenic. This variant creates a termination codon and is predicted to result in premature protein truncation.

Labcorp Genetics (formerly Invitae), Labcorp
Classification: Pathogenic for Ataxia-telangiectasia syndrome. Last evaluated: 2020-03-18. Review status: criteria provided, single submitter. Criteria: Invitae Variant Classification Sherloc (09022015). Collection method: clinical testing. Allele origin: germline.
Comment: This sequence change creates a premature translational stop signal (p.Leu1401*) in the ATM gene. It is expected to result in an absent or disrupted protein product. This variant is not present in population databases (ExAC no frequency). This variant has not been reported in the literature in individuals with ATM-related disease. Loss-of-function variants in ATM are known to be pathogenic (PMID: 23807571, 25614872). For these reasons, this variant has been classified as Pathogenic.

Literature cited by the submitters: PubMed 23807571 (cited by Labcorp Genetics (formerly Invitae), Labcorp); PubMed 25614872 (cited by Labcorp Genetics (formerly Invitae), Labcorp).

NM_000051.4(ATM):c.4202T>A (p.Leu1401Ter)

Gene: ATM (ATM serine/threonine kinase; plus strand). Cytogenetic location: 11q22.3.
Variant type: single nucleotide variant.
Coding change: c.4202T>A on transcript NM_000051.4 (MANE Select); coding-DNA position 4202, T replaced by A.
Protein change: p.Leu1401Ter; replaces leucine 1401 with a stop codon.
Molecular consequence: nonsense.
Genome position (GRCh38, 1-based): chr11:108,289,069, T>A. VCF-style: chr11-108289069-T-A. GRCh37 (hg19) VCF-style: chr11-108159796-T-A.
Other names: c.4202T>A, p.Leu1401Ter (NM_001351834.2); short protein forms L1401*.
Identifiers: ClinVar variation 524333 (VCV000524333.6), dbSNP rs1555096975, ClinGen allele CA382530357.